The following is an entry in ClinVar:

ClinVar aggregate classification (germline): Pathogenic. Review status: criteria provided, multiple submitters, no conflicts (2 of 4 stars). 3 submissions from 3 submitters: Pathogenic (2). 1 of the submissions does not count toward it. Last evaluated 2025-12-08.

Conditions:
Cerebroretinal microangiopathy with calcifications and cysts 1 (CRMCC1). Identifiers: Orphanet 313838, MedGen C4552029, MONDO:0024564, OMIM 612199.
Dyskeratosis congenita. Identifiers: Orphanet 1775, MedGen C0265965, MONDO:0015780.

Allele frequency attached by ClinVar (database versions not stated): gnomAD 0.00001; gnomAD exomes 0.00001 and 0.00002; TOPMed 0.00002.

Submissions (3):

Labcorp Genetics (formerly Invitae), Labcorp
Classification: Pathogenic for Dyskeratosis congenita. Last evaluated: 2025-12-08. Review status: criteria provided, single submitter. Criteria: Invitae Variant Classification Sherloc (09022015). Collection method: clinical testing. Allele origin: germline.
Comment: This sequence change creates a premature translational stop signal (p.Arg287*) in the CTC1 gene. It is expected to result in an absent or disrupted protein product. Loss-of-function variants in CTC1 are known to be pathogenic (PMID: 22267198, 22387016). This variant is present in population databases (rs397514660, gnomAD 0.01%). This premature translational stop signal has been observed in individual(s) with cerebroretinal microangiopathy with calcifications and cysts type 1 (Coats plus syndrome) (PMID: 22267198). ClinVar contains an entry for this variant (Variation ID: 40251). Algorithms developed to predict the effect of sequence changes on RNA splicing suggest that this variant may disrupt the consensus splice site. For these reasons, this variant has been classified as Pathogenic.

GeneDx
Classification: Pathogenic. Last evaluated: 2021-12-18. Review status: criteria provided, single submitter. Criteria: GeneDx Variant Classification Process June 2021. Collection method: clinical testing. Allele origin: germline. Affected: yes.
Comment: Nonsense variant predicted to result in protein truncation or nonsense mediated decay in a gene for which loss-of-function is a known mechanism of disease; This variant is associated with the following publications: (PMID: 31589614, 22267198)

OMIM
Classification: Pathogenic for CEREBRORETINAL MICROANGIOPATHY WITH CALCIFICATIONS AND CYSTS 1. Last evaluated: 2012-01-22. Review status: no assertion criteria provided. Collection method: literature only. Allele origin: germline. Not counted in ClinVar's aggregate classification.

Literature cited by the submitters: PubMed 22267198 (cited by Labcorp Genetics (formerly Invitae), Labcorp and OMIM); PubMed 22387016 (cited by Labcorp Genetics (formerly Invitae), Labcorp).

NM_025099.6(CTC1):c.859C>T (p.Arg287Ter)

Gene: CTC1 (CST telomere replication complex component 1; minus strand). Cytogenetic location: 17p13.1.
Variant type: single nucleotide variant.
Coding change: c.859C>T on transcript NM_025099.6 (MANE Select); coding-DNA position 859, C replaced by T.
Protein change: p.Arg287Ter; replaces arginine 287 with a stop codon.
Molecular consequence: nonsense. On other transcripts: non-coding transcript variant (1).
Genome position (GRCh38, 1-based): chr17:8,236,276, G>A on the plus strand (C>T on the coding strand, the complement: CTC1 is on the minus strand). VCF-style: chr17-8236276-G-A. GRCh37 (hg19) VCF-style: chr17-8139594-G-A.
Other names: short protein forms R287*.
Identifiers: ClinVar variation 40251 (VCV000040251.8), dbSNP rs397514660, ClinGen allele CA130804.